The following is an entry in ClinVar:

NM_182961.4(SYNE1):c.16501A>G (p.Ile5501Val)

Gene: SYNE1 (spectrin repeat containing nuclear envelope protein 1; minus strand). Cytogenetic location: 6q25.2.
Variant type: single nucleotide variant.
Coding change: c.16501A>G on transcript NM_182961.4 (MANE Select); coding-DNA position 16501, A replaced by G.
Protein change: p.Ile5501Val; replaces isoleucine 5501 with valine.
Molecular consequence: missense variant.
Genome position (GRCh38, 1-based): chr6:152,318,152, T>C on the plus strand (A>G on the coding strand, the complement: SYNE1 is on the minus strand). VCF-style: chr6-152318152-T-C. GRCh37 (hg19) VCF-style: chr6-152639287-T-C.
Other names: c.16288A>G, p.Ile5430Val (NM_033071.5); short protein forms I5501V, I5430V.
Identifiers: ClinVar variation 1426818 (VCV001426818.6), dbSNP rs2153899235, ClinGen allele CA366111620.

ClinVar aggregate classification (germline): Uncertain significance (1 of 4 stars; one submission).

Conditions:
Emery-Dreifuss muscular dystrophy 4, autosomal dominant (EDMD4). Also called: EMERY-DREIFUSS MUSCULAR DYSTROPHY 4 WITH VARIABLE FEATURES. Identifiers: Orphanet 261, MedGen C2751807, MONDO:0013071, OMIM 612998.
Autosomal recessive ataxia, Beauce type. Also called: Spinocerebellar ataxia, autosomal recessive 8; ATAXIA, RECESSIVE, OF BEAUCE; SYNE1 Deficiency; SYNE1-Related Autosomal Recessive Cerebellar Ataxia. Identifiers: Orphanet 88644, MedGen C1853116, MONDO:0012549, OMIM 610743.

gnomAD v4.1: 4 of 1,614,218 alleles (0.00025%); highest among the groups gnomAD compares: Non-Finnish European, 0.00034%; no homozygotes.

Submission:

Labcorp Genetics (formerly Invitae), Labcorp
Classification: Uncertain significance for Emery-Dreifuss muscular dystrophy 4, autosomal dominant; Autosomal recessive ataxia, Beauce type. Last evaluated: 2022-07-06. Review status: criteria provided, single submitter. Criteria: Invitae Variant Classification Sherloc (09022015). Collection method: clinical testing. Allele origin: germline.
Comment: In summary, the available evidence is currently insufficient to determine the role of this variant in disease. Therefore, it has been classified as a Variant of Uncertain Significance. Algorithms developed to predict the effect of sequence changes on RNA splicing suggest that this variant may create or strengthen a splice site. Algorithms developed to predict the effect of missense changes on protein structure and function output the following: SIFT: "Deleterious"; PolyPhen-2: "Benign"; Align-GVGD: "Class C25". The valine amino acid residue is found in multiple mammalian species, which suggests that this missense change does not adversely affect protein function. ClinVar contains an entry for this variant (Variation ID: 1426818). This variant has not been reported in the literature in individuals affected with SYNE1-related conditions. This variant is not present in population databases (gnomAD no frequency). This sequence change replaces isoleucine, which is neutral and non-polar, with valine, which is neutral and non-polar, at codon 5430 of the SYNE1 protein (p.Ile5430Val).